The following is an entry in ClinVar:

NM_030962.4(SBF2):c.3817A>T (p.Ser1273Cys)

Gene: SBF2 (SET binding factor 2; minus strand). Cytogenetic location: 11p15.4.
Variant type: single nucleotide variant.
Coding change: c.3817A>T on transcript NM_030962.4 (MANE Select); coding-DNA position 3817, A replaced by T.
Protein change: p.Ser1273Cys; replaces serine 1273 with cysteine.
Molecular consequence: missense variant.
Genome position (GRCh38, 1-based): chr11:9,817,001, T>A on the plus strand (A>T on the coding strand, the complement: SBF2 is on the minus strand). VCF-style: chr11-9817001-T-A. GRCh37 (hg19) VCF-style: chr11-9838548-T-A.
Other names: c.3913A>T, p.Ser1305Cys (NM_001386339.1); c.3688A>T, p.Ser1230Cys (NM_001386342.1); short protein forms S1305C, S1273C, S1230C.
Identifiers: ClinVar variation 1735207 (VCV001735207.2), dbSNP rs2494637974, ClinGen allele CA379644786.
Genomic context (GRCh38, chr11:9,817,001, plus strand): 5'-TGCCTGCCAGCCGGGCGCCAACATCAATGAAGGATGTTGGAGAGCTGATCAAGCGAGTGC[T>A]AGAGCGAAGACTTGCCCACACACCTTCACAAAAGCCAAAGTCGTGGAGTGAGATAATCTA-3'
Protein context (NP_112224.1, residues 1263-1283): SPGVWASLRS[Ser1273Cys]TRLISSPTSF

ClinVar aggregate classification (germline): Uncertain significance (1 of 4 stars; one submission).

Conditions:
Inborn genetic diseases. Identifiers: MedGen C0950123, MeSH D030342.

Allele frequency attached by ClinVar (database versions not stated): gnomAD exomes below 0.00001.
gnomAD v4.1: 2 of 1,614,168 alleles (0.00012%); highest among the groups gnomAD compares: Non-Finnish European, 0.00017%; no homozygotes.

Submission:

Ambry Genetics
Classification: Uncertain significance for Inborn genetic diseases. Last evaluated: 2021-03-12. Review status: criteria provided, single submitter. Criteria: Ambry Variant Classification Scheme 2023. Collection method: clinical testing. Allele origin: germline.
Comment: The p.S1273C variant (also known as c.3817A>T), located in coding exon 29 of the SBF2 gene, results from an A to T substitution at nucleotide position 3817. The serine at codon 1273 is replaced by cysteine, an amino acid with dissimilar properties. This amino acid position is highly conserved in available vertebrate species. In addition, this alteration is predicted to be deleterious by in silico analysis. Since supporting evidence is limited at this time, the clinical significance of this alteration remains unclear.